The following is an entry in ClinVar:

NM_022132.5(MCCC2):c.1149+175_1149+178del

Gene: MCCC2 (methylcrotonyl-CoA carboxylase subunit 2; plus strand). Cytogenetic location: 5q13.2.
Variant type: Deletion.
Coding change: c.1149+175_1149+178del on transcript NM_022132.5 (MANE Select); bases 175 to 178 of the intron after coding-DNA position 1149, 4 bases deleted (TGCG; older notation c.1149+175_1149+178delTGCG).
Molecular consequence: intron variant.
Genome position (GRCh38, 1-based): chr5:71,644,070-71,644,073, TGCG deleted; deleting any 4 consecutive bases within chr5:71,644,069-71,644,073 gives the same sequence; the c. name uses the placement nearest the transcript's 3' end. VCF-style (leftmost placement, unchanged base first): chr5-71644068-TGTGC-T. GRCh37 (hg19) VCF-style: chr5-70939895-TGTGC-T.
Other names: c.1035+175_1035+178del (NM_001363147.1).
Identifiers: ClinVar variation 4813963 (VCV004813963.1).

ClinVar aggregate classification (germline): Likely benign (1 of 4 stars; one submission).

Submission:

GeneDx
Classification: Likely benign. Last evaluated: 2021-06-04. Review status: criteria provided, single submitter. Criteria: GeneDx Variant Classification Process June 2021. Collection method: clinical testing. Allele origin: germline. Affected: yes.
Comment: See Variant Classification Assertion Criteria.